The following is an entry in ClinVar:

NM_001365536.1(SCN9A):c.3022G>T (p.Glu1008Ter)

Genes: SCN1A-AS1 (SCN1A and SCN9A antisense RNA 1; plus strand), SCN9A (sodium voltage-gated channel alpha subunit 9; minus strand). Cytogenetic location: 2q24.3.
Variant type: single nucleotide variant.
Coding change: c.3022G>T on transcript NM_001365536.1 (MANE Select); coding-DNA position 3022, G replaced by T.
Protein change: p.Glu1008Ter; replaces glutamic acid 1008 with a stop codon.
Molecular consequence: nonsense.
Genome position (GRCh38, 1-based): chr2:166,272,728, C>A on the plus strand (G>T on the coding strand, the complement: SCN9A is on the minus strand). VCF-style: chr2-166272728-C-A. GRCh37 (hg19) VCF-style: chr2-167129238-C-A.
Other names: c.2989G>T, p.Glu997Ter (NM_002977.4); short protein forms E1008*, E997*.
Identifiers: ClinVar variation 5007663 (VCV005007663.2).
Genomic context (GRCh38, chr2:166,272,728, plus strand): 5'-CTGCTTGTCTTATCTCCCTGGAAATCTTTGGCTTTTTGGAAAATGCTTTTAGAATAAATT[C>A]ACGTAAGGTTTGTTTCACATAATTTATTCCCTTTTTAATTCTAGTCACTGCAATCTGGAG-3'

ClinVar aggregate classification (germline): Likely pathogenic (1 of 4 stars; one submission).

Conditions:
Channelopathy-associated congenital insensitivity to pain, autosomal recessive. Also called: Insensitivity to pain, channelopathy-associated; ASYMBOLIA FOR PAIN; CONGENITAL ANALGESIA, AUTOSOMAL RECESSIVE. Identifiers: Orphanet 88642, Orphanet 970, MedGen C1855739, MONDO:0009459, OMIM 243000.
Paroxysmal extreme pain disorder (PEXPD). Also called: PAIN, SUBMANDIBULAR, OCULAR, AND RECTAL, WITH FLUSHING; RECTAL PAIN, FAMILIAL; SCN9A Paroxysmal Extreme Pain Disorder (SCN9A-PEPD). Identifiers: Orphanet 46348, MedGen C1833661, MONDO:0008179, OMIM 167400.
Primary erythromelalgia. Also called: primary erythermalgia; SCN9A Erythromelalgia (SCN9A-EM). Identifiers: Orphanet 306577, Orphanet 90026, MedGen C0014805, MONDO:0007571, OMIM 133020.

Submission:

Juno Genomics, Hangzhou Juno Genomics, Inc
Classification: Likely pathogenic for Primary erythromelalgia; Channelopathy-associated congenital insensitivity to pain, autosomal recessive; Paroxysmal extreme pain disorder. Review status: criteria provided, single submitter. Criteria: ACMG Guidelines, 2015. Collection method: clinical testing. Allele origin: germline.
Comment: Absent from controls (or at extremely low frequency if recessive) in Genome Aggregation Database.;Null variant in a gene where loss of function (LOF) is a known mechanism of disease.